The following is an entry in ClinVar:

NM_001377265.1(MAPT):c.2097A>C (p.Gln699His)

Gene: MAPT (microtubule associated protein tau). Cytogenetic location: 17q21.31.
Variant type: single nucleotide variant.
Coding change: c.2097A>C on transcript NM_001377265.1 (MANE Select); coding-DNA position 2097, A replaced by C.
Protein change: p.Gln699His; replaces glutamine 699 with histidine.
Molecular consequence: missense variant. On other transcripts: non-coding transcript variant (1).
Genome position (GRCh38, 1-based): chr17:46,014,248, A>C. VCF-style: chr17-46014248-A-C. GRCh37 (hg19) VCF-style: chr17-44091614-A-C.
Other names: c.1926A>C, p.Gln642His (NM_001123066.4); c.834A>C, p.Gln278His (NM_001123067.4); c.741A>C, p.Gln247His (NM_001203251.2, NM_001377267.1); c.828A>C, p.Gln276His (NM_001203252.2); c.1806A>C, p.Gln602His (NM_001377266.1); c.654A>C, p.Gln218His (NM_001377268.1, NM_016841.5); c.921A>C, p.Gln307His (NM_005910.6); c.747A>C, p.Gln249His (NM_016834.5); and 1 more; short protein forms Q218H, Q642H, Q307H, Q278H, Q247H, Q249H, Q602H, Q699H.
Identifiers: ClinVar variation 2772507 (VCV002772507.3), dbSNP rs2510187693, ClinGen allele CA399983428.

ClinVar aggregate classification (germline): Uncertain significance (1 of 4 stars; one submission).

Conditions:
Frontotemporal dementia (FTD1). Also called: FRONTOTEMPORAL DEMENTIA WITH PARKINSONISM; FRONTOTEMPORAL LOBE DEMENTIA; MULTIPLE SYSTEM TAUOPATHY WITH PRESENILE DEMENTIA; Frontotemporal Dementia with Parkinsonism-17 (FTDP-17); Frontotemporal lobe dementia (FLDEM); WILHELMSEN-LYNCH DISEASE. Identifiers: Orphanet 282, MedGen C0338451, MONDO:0017276, OMIM 600274, HP:0002145.

Submission:

Labcorp Genetics (formerly Invitae), Labcorp
Classification: Uncertain significance for Frontotemporal dementia. Last evaluated: 2023-10-28. Review status: criteria provided, single submitter. Criteria: Invitae Variant Classification Sherloc (09022015). Collection method: clinical testing. Allele origin: germline.
Comment: This sequence change replaces glutamine, which is neutral and polar, with histidine, which is basic and polar, at codon 307 of the MAPT protein (p.Gln307His). This variant is not present in population databases (gnomAD no frequency). This variant has not been reported in the literature in individuals affected with MAPT-related conditions. Advanced modeling of protein sequence and biophysical properties (such as structural, functional, and spatial information, amino acid conservation, physicochemical variation, residue mobility, and thermodynamic stability) performed at Invitae indicates that this missense variant is not expected to disrupt MAPT protein function with a negative predictive value of 80%. In summary, the available evidence is currently insufficient to determine the role of this variant in disease. Therefore, it has been classified as a Variant of Uncertain Significance.